The following is an entry in ClinVar:

NM_004714.3(DYRK1B):c.1045C>T (p.Arg349Trp)

Gene: DYRK1B (dual specificity tyrosine phosphorylation regulated kinase 1B; minus strand). Cytogenetic location: 19q13.2.
Variant type: single nucleotide variant.
Coding change: c.1045C>T on transcript NM_004714.3 (MANE Select); coding-DNA position 1045, C replaced by T.
Protein change: p.Arg349Trp; replaces arginine 349 with tryptophan.
Molecular consequence: missense variant.
Genome position (GRCh38, 1-based): chr19:39,827,335, G>A on the plus strand (C>T on the coding strand, the complement: DYRK1B is on the minus strand). VCF-style: chr19-39827335-G-A. GRCh37 (hg19) VCF-style: chr19-40317975-G-A.
Other names: c.1045C>T, p.Arg349Trp (NM_006483.3, NM_006484.3); short protein forms R349W.
Identifiers: ClinVar variation 2612790 (VCV002612790.4), dbSNP rs539812750, ClinGen allele CA9434136.

ClinVar aggregate classification (germline): Uncertain significance. Review status: criteria provided, multiple submitters, no conflicts (2 of 4 stars). 2 submissions from 2 submitters: Uncertain significance (2). Last evaluated 2024-10-25.

Conditions:
Inborn genetic diseases. Identifiers: MedGen C0950123, MeSH D030342.

Allele frequency attached by ClinVar (database versions not stated): gnomAD 0.00001; ExAC 0.00003; 1000 Genomes Project 30x 0.00016; 1000 Genomes Project 0.00020.

Submissions (2):

Labcorp Genetics (formerly Invitae), Labcorp
Classification: Uncertain significance. Last evaluated: 2024-10-25. Review status: criteria provided, single submitter. Criteria: Invitae Variant Classification Sherloc (09022015). Collection method: clinical testing. Allele origin: germline.
Comment: This sequence change replaces arginine, which is basic and polar, with tryptophan, which is neutral and slightly polar, at codon 349 of the DYRK1B protein (p.Arg349Trp). The frequency data for this variant in the population databases is considered unreliable, as metrics indicate poor data quality at this position in the gnomAD database. This variant has not been reported in the literature in individuals affected with DYRK1B-related conditions. ClinVar contains an entry for this variant (Variation ID: 2612790). Invitae Evidence Modeling of protein sequence and biophysical properties (such as structural, functional, and spatial information, amino acid conservation, physicochemical variation, residue mobility, and thermodynamic stability) indicates that this missense variant is not expected to disrupt DYRK1B protein function with a negative predictive value of 80%. In summary, the available evidence is currently insufficient to determine the role of this variant in disease. Therefore, it has been classified as a Variant of Uncertain Significance.

Ambry Genetics
Classification: Uncertain significance for Inborn genetic diseases. Last evaluated: 2023-07-19. Review status: criteria provided, single submitter. Criteria: Ambry Variant Classification Scheme 2023. Collection method: clinical testing. Allele origin: germline.